The following is an entry in ClinVar:

ClinVar aggregate classification (germline): Benign (0 of 4 stars; one submission).

Conditions:
FOXD1-related disorder. Also called: FOXD1-related condition.

Submission:

PreventionGenetics, part of Exact Sciences
Classification: Benign for FOXD1-related condition. Last evaluated: 2019-05-14. Review status: no assertion criteria provided. Collection method: clinical testing. Allele origin: germline.
Comment: This variant is classified as benign based on ACMG/AMP sequence variant interpretation guidelines (Richards et al. 2015 PMID: 25741868, with internal and published modifications).

NM_004472.3(FOXD1):c.1146_1160del (p.Gln383_Ala387del)

Gene: FOXD1 (forkhead box D1; minus strand). Cytogenetic location: 5q13.2.
Variant type: Deletion.
Coding change: c.1146_1160del on transcript NM_004472.3 (MANE Select); coding-DNA positions 1146 to 1160, 15 bases deleted (GCAGGCCGCCGCCGC).
Protein change: p.Gln383_Ala387del.
Genome position (GRCh38, 1-based): chr5:73,447,203-73,447,217, GCGGCGGCGGCCTGC deleted on the plus strand (GCAGGCCGCCGCCGC on the coding strand, the reverse complement: FOXD1 is on the minus strand); deleting any 15 consecutive bases within chr5:73,447,203-73,447,228 gives the same sequence; the c. name uses the placement nearest the transcript's 3' end. VCF-style (leftmost placement, unchanged base first): chr5-73447202-GGCGGCGGCGGCCTGC-G. GRCh37 (hg19) VCF-style: chr5-72743029-GGCGGCGGCGGCCTGC-G.
Identifiers: ClinVar variation 3042166 (VCV003042166.2), dbSNP rs771204220, ClinGen allele CA3303017.